The following is an entry in ClinVar:

NM_002430.3(MN1):c.2502C>T (p.Asn834=)

Gene: MN1 (MN1 proto-oncogene, transcriptional regulator; minus strand). Cytogenetic location: 22q12.1.
Variant type: single nucleotide variant.
Coding change: c.2502C>T on transcript NM_002430.3 (MANE Select); coding-DNA position 2502, C replaced by T.
Protein change: p.Asn834=; no amino-acid change (asparagine 834 retained).
Molecular consequence: synonymous variant.
Genome position (GRCh38, 1-based): chr22:27,798,042, G>A on the plus strand (C>T on the coding strand, the complement: MN1 is on the minus strand). VCF-style: chr22-27798042-G-A. GRCh37 (hg19) VCF-style: chr22-28194030-G-A.
Identifiers: ClinVar variation 4823552 (VCV004823552.4).

ClinVar aggregate classification (germline): Likely benign (1 of 4 stars; one submission).

Submission:

CeGaT Center for Human Genetics Tuebingen
Classification: Likely benign. Last evaluated: 2026-03-01. Review status: criteria provided, single submitter. Criteria: CeGaT Center For Human Genetics Tuebingen Variant Classification Criteria Version 2. Collection method: clinical testing. Allele origin: germline. Affected: yes. Observed: 1 variant allele.
Comment: MN1: PM2:Supporting, BP4, BP7